The following is an entry in ClinVar:

ClinVar aggregate classification (germline): Likely pathogenic (1 of 4 stars; one submission).

Conditions:
Developmental and epileptic encephalopathy 91. Also called: EPILEPTIC ENCEPHALOPATHY, INFANTILE OR EARLY CHILDHOOD, 1. Identifiers: MedGen C4540199, MONDO:0020630, OMIM 617711.

Submission:

Pediatric Department, Peking University First Hospital
Classification: Likely pathogenic for Developmental and epileptic encephalopathy 91. Last evaluated: 2025-05-24. Review status: criteria provided, single submitter. Criteria: ACMG Guidelines, 2015. Collection method: research. Allele origin: de novo. Affected: yes.
Comment: Likely pathogenic(PS2_Moderate, PVS1_Strong, PM2_Supporting)

NM_000944.5(PPP3CA):c.1375A>T (p.Lys459Ter)

Gene: PPP3CA (protein phosphatase 3 catalytic subunit alpha; minus strand). Cytogenetic location: 4q24.
Variant type: single nucleotide variant.
Coding change: c.1375A>T on transcript NM_000944.5 (MANE Select); coding-DNA position 1375, A replaced by T.
Protein change: p.Lys459Ter; replaces lysine 459 with a stop codon.
Molecular consequence: nonsense.
Genome position (GRCh38, 1-based): chr4:101,026,056, T>A on the plus strand (A>T on the coding strand, the complement: PPP3CA is on the minus strand). VCF-style: chr4-101026056-T-A. GRCh37 (hg19) VCF-style: chr4-101947213-T-A.
Other names: c.1345A>T, p.Lys449Ter (NM_001130691.2); c.1219A>T, p.Lys407Ter (NM_001130692.2); short protein forms K407*, K449*, K459*.
Identifiers: ClinVar variation 3900640 (VCV003900640.1).